The following is an entry in ClinVar:

NM_001145475.3(FAM186A):c.4543T>C (p.Leu1515=)

Gene: FAM186A (family with sequence similarity 186 member A; minus strand). Cytogenetic location: 12q13.12.
Variant type: single nucleotide variant.
Coding change: c.4543T>C on transcript NM_001145475.3 (MANE Select); coding-DNA position 4543, T replaced by C.
Protein change: p.Leu1515=; no amino-acid change (leucine 1515 retained).
Molecular consequence: synonymous variant.
Genome position (GRCh38, 1-based): chr12:50,352,289, A>G on the plus strand (T>C on the coding strand, the complement: FAM186A is on the minus strand). VCF-style: chr12-50352289-A-G. GRCh37 (hg19) VCF-style: chr12-50746072-A-G.
Identifiers: ClinVar variation 2642984 (VCV002642984.24), dbSNP rs1490479119, ClinGen allele CA479769426.

ClinVar aggregate classification (germline): Likely benign (1 of 4 stars; one submission).

Allele frequency attached by ClinVar (database versions not stated): gnomAD 0.00002.

Submission:

CeGaT Center for Human Genetics Tuebingen
Classification: Likely benign. Last evaluated: 2022-11-01. Review status: criteria provided, single submitter. Criteria: CeGaT Center For Human Genetics Tuebingen Variant Classification Criteria Version 2. Collection method: clinical testing. Allele origin: germline. Affected: yes. Observed: 1 variant allele.
Comment: FAM186A: BP4, BP7